The following is an entry in ClinVar:

NM_177972.3(TUB):c.207C>T (p.Pro69=)

Gene: TUB (TUB bipartite transcription factor; plus strand). Cytogenetic location: 11p15.4.
Variant type: single nucleotide variant.
Coding change: c.207C>T on transcript NM_177972.3 (MANE Select); coding-DNA position 207, C replaced by T.
Protein change: p.Pro69=; no amino-acid change (proline 69 retained).
Molecular consequence: synonymous variant.
Genome position (GRCh38, 1-based): chr11:8,090,185, C>T. VCF-style: chr11-8090185-C-T. GRCh37 (hg19) VCF-style: chr11-8111732-C-T.
Other names: c.372C>T, p.Pro124= (NM_003320.5); c.372C>T (NM_003320.4).
Identifiers: ClinVar variation 1590000 (VCV001590000.11), dbSNP rs142823236, ClinGen allele CA5870995.
Genomic context (GRCh38, chr11:8,090,185, plus strand): 5'-GGCCAATGCAGATGGGCGGCCCCGGAGCCGGCGGGCCCGGCAGTCAGAGGAACAAGCCCC[C>T]CTGGTGGAGTCCTACCTCAGCAGCAGTGGCAGCACCAGCTACCAAGGTATACCTTGCCTG-3'
Protein context (NP_813977.1, residues 59-79): RRARQSEEQA[Pro69=]LVESYLSSSG

ClinVar aggregate classification (germline): Likely benign. Review status: criteria provided, multiple submitters, no conflicts (2 of 4 stars). 3 submissions from 3 submitters: Likely benign (2). 1 of the submissions does not count toward it. Last evaluated 2024-09-04.

Conditions:
TUB-related disorder. Also called: TUB-related condition.

Allele frequency attached by ClinVar (database versions not stated): TOPMed 0.00005; gnomAD exomes 0.00006; ExAC 0.00007; ESP Exome Variant Server 0.00015.
gnomAD v4.1: 148 of 1,613,670 alleles (0.0092%); highest among the groups gnomAD compares: Non-Finnish European, 0.012%; no homozygotes.

Submissions (3):

Labcorp Genetics (formerly Invitae), Labcorp
Classification: Likely benign. Last evaluated: 2024-09-04. Review status: criteria provided, single submitter. Criteria: Invitae Variant Classification Sherloc (09022015). Collection method: clinical testing. Allele origin: germline.

Blueprint Genetics
Classification: Likely benign. Last evaluated: 2024-04-03. Review status: criteria provided, single submitter. Criteria: ACMG Guidelines, 2015. Collection method: clinical testing. Allele origin: germline.

PreventionGenetics, part of Exact Sciences
Classification: Likely benign for TUB-related condition. Last evaluated: 2022-02-17. Review status: no assertion criteria provided. Collection method: clinical testing. Allele origin: germline. Not counted in ClinVar's aggregate classification.
Comment: This variant is classified as likely benign based on ACMG/AMP sequence variant interpretation guidelines (Richards et al. 2015 PMID: 25741868, with internal and published modifications).